The following is an entry in ClinVar:

ClinVar aggregate classification (germline): Uncertain significance (1 of 4 stars; one submission).

Submission:

GeneDx
Classification: Uncertain significance. Last evaluated: 2022-10-28. Review status: criteria provided, single submitter. Criteria: GeneDx Variant Classification Process June 2021. Collection method: clinical testing. Allele origin: germline. Affected: yes.
Comment: Frameshift variant predicted to result in protein truncation or nonsense mediated decay in a gene for which loss-of-function is not a known mechanism of disease; Has not been previously published as pathogenic or benign to our knowledge

NM_174873.2(P2RX2):c.314dup

Gene: P2RX2 (purinergic receptor P2X 2; plus strand). Cytogenetic location: 12q24.33.
Variant type: Duplication.
Coding change: c.314dup on transcript NM_174873.2; coding-DNA position 314, one base duplicated (G; older notation c.314dupG).
Molecular consequence: intron variant (on NM_016318.4).
Genome position (GRCh38, 1-based): chr12:132,619,683, G duplicated; the last of 6 consecutive G bases (chr12:132,619,678-132,619,683); duplicating any one gives the same sequence. VCF-style (leftmost placement, unchanged base first): chr12-132619677-A-AG. GRCh37 (hg19) VCF-style: chr12-133196263-A-AG.
Other names: c.309+109dup (NM_016318.4, NM_001282164.2); c.241+109dup (NM_012226.5); c.106-161dup (NM_174872.3).
Identifiers: ClinVar variation 1722955 (VCV001722955.2), dbSNP rs763300549, ClinGen allele CA6891452.